The following is an entry in ClinVar:

NM_004168.4(SDHA):c.1130C>A (p.Ala377Asp)

Gene: SDHA (succinate dehydrogenase complex flavoprotein subunit A; plus strand). Cytogenetic location: 5p15.33.
Variant type: single nucleotide variant.
Coding change: c.1130C>A on transcript NM_004168.4 (MANE Select); coding-DNA position 1130, C replaced by A.
Protein change: p.Ala377Asp; replaces alanine 377 with aspartic acid.
Molecular consequence: missense variant.
Genome position (GRCh38, 1-based): chr5:235,209, C>A. VCF-style: chr5-235209-C-A. GRCh37 (hg19) VCF-style: chr5-235324-C-A.
Other names: c.986C>A, p.Ala329Asp (NM_001294332.2); c.1130C>A, p.Ala377Asp (NM_001330758.2); short protein forms A377D, A329D.
Identifiers: ClinVar variation 472301 (VCV000472301.10), dbSNP rs1553999443, ClinGen allele CA359013518.
Genomic context (GRCh38, chr5:235,209, plus strand): 5'-GTGGCCCTGAGAAAGATCACGTCTACCTGCAGCTGCACCACCTACCTCCAGAGCAGCTGG[C>A]CACGCGCCTGCCTGGCATTTCAGAGACAGCCATGATCTTCGCTGGCGTGGACGTCACGAA-3'
Protein context (NP_004159.2, residues 367-387): QLHHLPPEQL[Ala377Asp]TRLPGISETA

ClinVar aggregate classification (germline): Uncertain significance (1 of 4 stars; one submission).

Conditions:
Mitochondrial complex II deficiency, nuclear type 1. Also called: SUCCINATE CoQ REDUCTASE DEFICIENCY. Identifiers: Orphanet 3208, MedGen C5700310, MONDO:0100294, OMIM 252011.
Pheochromocytoma/paraganglioma syndrome 5. Also called: Paragangliomas 5; SDHA-Related Hereditary Paraganglioma-Pheochromocytoma Syndrome. Identifiers: Orphanet 29072, MedGen C3279992, MONDO:0013602, OMIM 614165.

Submission:

Labcorp Genetics (formerly Invitae), Labcorp
Classification: Uncertain significance for Pheochromocytoma/paraganglioma syndrome 5; Mitochondrial complex II deficiency, nuclear type 1. Last evaluated: 2024-07-22. Review status: criteria provided, single submitter. Criteria: Invitae Variant Classification Sherloc (09022015). Collection method: clinical testing. Allele origin: germline.
Comment: This sequence change replaces alanine, which is neutral and non-polar, with aspartic acid, which is acidic and polar, at codon 377 of the SDHA protein (p.Ala377Asp). This variant is not present in population databases (gnomAD no frequency). This variant has not been reported in the literature in individuals affected with SDHA-related conditions. ClinVar contains an entry for this variant (Variation ID: 472301). Advanced modeling of protein sequence and biophysical properties (such as structural, functional, and spatial information, amino acid conservation, physicochemical variation, residue mobility, and thermodynamic stability) performed at Invitae indicates that this missense variant is not expected to disrupt SDHA protein function with a negative predictive value of 95%. In summary, the available evidence is currently insufficient to determine the role of this variant in disease. Therefore, it has been classified as a Variant of Uncertain Significance.